The following is an entry in ClinVar:

ClinVar aggregate classification (germline): Likely benign. Review status: criteria provided, multiple submitters, no conflicts (2 of 4 stars). 2 submissions from 2 submitters: Likely benign (2). Last evaluated 2024-04-13.

Allele frequency attached by ClinVar (database versions not stated): gnomAD below 0.00001 and 0.00001; gnomAD exomes 0.00008; ExAC 0.00011; 1000 Genomes Project 30x 0.00016; 1000 Genomes Project 0.00020.
gnomAD v4.1: 66 of 1,590,178 alleles (0.0042%); highest among the groups gnomAD compares: South Asian, 0.074%; 2 homozygotes.

Submissions (2):

Labcorp Genetics (formerly Invitae), Labcorp
Classification: Likely benign. Last evaluated: 2024-04-13. Review status: criteria provided, single submitter. Criteria: Invitae Variant Classification Sherloc (09022015). Collection method: clinical testing. Allele origin: germline.

CeGaT Center for Human Genetics Tuebingen
Classification: Likely benign. Last evaluated: 2023-10-01. Review status: criteria provided, single submitter. Criteria: CeGaT Center For Human Genetics Tuebingen Variant Classification Criteria Version 2. Collection method: clinical testing. Allele origin: germline. Affected: yes. Observed: 1 variant allele.
Comment: MYO18B: BP4, BP7

NM_032608.7(MYO18B):c.804C>T (p.Pro268=)

Gene: MYO18B (myosin XVIIIB; plus strand). Cytogenetic location: 22q12.1.
Variant type: single nucleotide variant.
Coding change: c.804C>T on transcript NM_032608.7 (MANE Select); coding-DNA position 804, C replaced by T.
Protein change: p.Pro268=; no amino-acid change (proline 268 retained).
Molecular consequence: synonymous variant.
Genome position (GRCh38, 1-based): chr22:25,768,720, C>T. VCF-style: chr22-25768720-C-T. GRCh37 (hg19) VCF-style: chr22-26164687-C-T.
Other names: c.804C>T, p.Pro268= (NM_001318245.2).
Identifiers: ClinVar variation 723474 (VCV000723474.30), dbSNP rs557337869, ClinGen allele CA10159690.